The following is an entry in ClinVar:

NM_177939.3(P4HTM):c.677G>A (p.Ser226Asn)

Gene: P4HTM (prolyl 4-hydroxylase, transmembrane; plus strand). Cytogenetic location: 3p21.31.
Variant type: single nucleotide variant.
Coding change: c.677G>A on transcript NM_177939.3 (MANE Select); coding-DNA position 677, G replaced by A.
Protein change: p.Ser226Asn; replaces serine 226 with asparagine.
Molecular consequence: missense variant.
Genome position (GRCh38, 1-based): chr3:49,002,549, G>A. VCF-style: chr3-49002549-G-A. GRCh37 (hg19) VCF-style: chr3-49039982-G-A.
Other names: c.677G>A, p.Ser226Asn (NM_177938.2); short protein forms S226N.
Identifiers: ClinVar variation 3034447 (VCV003034447.3), dbSNP rs145882337, ClinGen allele CA2388318.

ClinVar aggregate classification (germline): Likely benign. Review status: criteria provided, single submitter (1 of 4 stars). 2 submissions from 2 submitters: Likely benign (1). 1 of the submissions does not count toward it. Last evaluated 2024-11-22.

Conditions:
P4HTM-related disorder. Also called: P4HTM-related condition.

Allele frequency attached by ClinVar (database versions not stated): TOPMed 0.00059; gnomAD 0.00060; ExAC 0.00087; ESP Exome Variant Server 0.00115; gnomAD exomes 0.00121.
gnomAD v4.1: 1,844 of 1,614,120 alleles (0.11%); highest among the groups gnomAD compares: South Asian, 0.25%; 3 homozygotes.

Submissions (2):

Blueprint Genetics
Classification: Likely benign. Last evaluated: 2024-11-22. Review status: criteria provided, single submitter. Criteria: ACMG Guidelines, 2015. Collection method: clinical testing. Allele origin: germline.

PreventionGenetics, part of Exact Sciences
Classification: Likely benign for P4HTM-related condition. Last evaluated: 2022-05-02. Review status: no assertion criteria provided. Collection method: clinical testing. Allele origin: germline. Not counted in ClinVar's aggregate classification.
Comment: This variant is classified as likely benign based on ACMG/AMP sequence variant interpretation guidelines (Richards et al. 2015 PMID: 25741868, with internal and published modifications).